The following is an entry in ClinVar:

NM_020297.4(ABCC9):c.4212-1G>T

Genes: ABCC9 (ATP binding cassette subfamily C member 9; minus strand), KCNJ8-AS1 (KCNJ8 antisense RNA 1; plus strand). Cytogenetic location: 12p12.1.
Variant type: single nucleotide variant.
Coding change: c.4212-1G>T on transcript NM_020297.4 (MANE Select); the canonical splice acceptor site of the intron before coding-DNA position 4212, G replaced by T.
Molecular consequence: splice acceptor variant.
Genome position (GRCh38, 1-based): chr12:21,809,956, C>A on the plus strand (G>T on the coding strand, the complement: ABCC9 is on the minus strand). VCF-style: chr12-21809956-C-A. GRCh37 (hg19) VCF-style: chr12-21962890-C-A.
Other names: c.3345-1G>T (NM_001377274.1); c.4212-1G>T (NM_005691.4, NM_001377273.1).
Identifiers: ClinVar variation 4292746 (VCV004292746.1).

ClinVar aggregate classification (germline): Likely pathogenic (1 of 4 stars; one submission).

Conditions:
Intellectual disability and myopathy syndrome (IDMYS). Identifiers: MedGen C5676904, MONDO:0859224, OMIM 619719.

gnomAD v4.1: 1 of 1,591,366 alleles (0.000063%); highest among the groups gnomAD compares: Non-Finnish European, 0.000086%; no homozygotes.

Submission:

3billion
Classification: Likely pathogenic for Intellectual disability and myopathy syndrome. Last evaluated: 2025-01-22. Review status: criteria provided, single submitter. Criteria: ACMG Guidelines, 2015. Collection method: clinical testing. Allele origin: germline. Affected: yes.
Comment: The variant is observed at an extremely low frequency in the gnomAD v4.1.0 dataset (total allele frequency: <0.001%). Predicted Consequence/Location: Canonical splice site: predicted to alter splicing and result in a loss or disruption of normal protein function. Multiple pathogenic loss-of-function variants are reported downstream of the variant. Therefore, this variant is classified as Likely pathogenic according to the recommendation of ACMG/AMP guideline.